The following is an entry in ClinVar:

NM_000038.6(APC):c.2191del (p.Ala731fs)

Gene: APC (APC regulator of Wnt signaling pathway; plus strand). Cytogenetic location: 5q22.2.
Variant type: Deletion.
Coding change: c.2191del on transcript NM_000038.6 (MANE Select); coding-DNA position 2191, one base deleted (G; older notation c.2191delG).
Protein change: p.Ala731fs; shifts the reading frame from alanine 731.
Molecular consequence: frameshift variant. On other transcripts: non-coding transcript variant (2).
Genome position (GRCh38, 1-based): chr5:112,837,785, G deleted; the last of 2 consecutive G bases (chr5:112,837,784-112,837,785); deleting either gives the same sequence. VCF-style (leftmost placement, unchanged base first): chr5-112837783-TG-T. GRCh37 (hg19) VCF-style: chr5-112173480-TG-T.
Other names: c.2191del, p.Ala731fs (NM_001127510.3, NM_001354895.2, NM_001407450.1); c.2137del, p.Ala713fs (NM_001127511.3); c.2245del, p.Ala749fs (NM_001354896.2, NM_001407447.1, NM_001407448.1 and 1 more transcripts); c.2221del, p.Ala741fs (NM_001354897.2); c.2116del, p.Ala706fs (NM_001354898.2); c.2107del, p.Ala703fs (NM_001354899.2); c.2068del, p.Ala690fs (NM_001354900.2); c.2014del, p.Ala672fs (NM_001354901.2, NM_001407453.1); and 11 more; short protein forms A347fs, A448fs, A571fs, A602fs, A605fs, A630fs, A640fs, A648fs.
Identifiers: ClinVar variation 2583375 (VCV002583375.2), dbSNP rs2533403183, ClinGen allele CA2582341434.

ClinVar aggregate classification (germline): Pathogenic (1 of 4 stars; one submission).

Conditions:
Familial adenomatous polyposis 1 (FAP1). Also called: POLYPOSIS, ADENOMATOUS INTESTINAL; FAMILIAL ADENOMATOUS POLYPOSIS 1, ATTENUATED. Identifiers: MedGen C2713442, MONDO:0021056, OMIM 175100. Disease mechanism: loss of function.

Submission:

Myriad Genetics, Inc.
Classification: Pathogenic for Familial adenomatous polyposis 1. Last evaluated: 2023-05-04. Review status: criteria provided, single submitter. Criteria: Myriad Autosomal Dominant, Autosomal Recessive and X-Linked Classification Criteria (2023). Collection method: clinical testing. Allele origin: unknown.
Comment: This variant is considered pathogenic. This variant creates a frameshift predicted to result in premature protein truncation.